The following is an entry in ClinVar:

NM_000081.4(LYST):c.3996del (p.Asp1333fs)

Gene: LYST (lysosomal trafficking regulator; minus strand). Cytogenetic location: 1q42.3.
Variant type: Deletion.
Coding change: c.3996del on transcript NM_000081.4 (MANE Select); coding-DNA position 3996, one base deleted (T; older notation c.3996delT).
Protein change: p.Asp1333fs; shifts the reading frame from aspartic acid 1333.
Molecular consequence: frameshift variant.
Genome position (GRCh38, 1-based): chr1:235,800,330, A deleted on the plus strand (T on the coding strand, the reverse complement: LYST is on the minus strand). VCF-style (leftmost placement, unchanged base first): chr1-235800329-CA-C. GRCh37 (hg19) VCF-style: chr1-235963629-CA-C.
Other names: c.3996del, p.Asp1333fs (NM_001301365.1); short protein forms D1333fs.
Identifiers: ClinVar variation 2676374 (VCV002676374.4), dbSNP rs2527008662, ClinGen allele CA2695200045.
Genomic context (GRCh38, chr1:235,800,329, plus strand): 5'-TTTTCACATAAAATAATTTCAGAGCTATTGTTTAAAACAGTTTCAACTTACCTTGAAAAT[CA>C]GAATCATCCTGTGTTAAAATACTCAAGAACCCTCCTAAAAGATTTTTCACAGTTCCCTGA-3'

ClinVar aggregate classification (germline): Pathogenic/Likely pathogenic. Review status: criteria provided, multiple submitters, no conflicts (2 of 4 stars). 2 submissions from 2 submitters: Pathogenic (1); Likely pathogenic (1). Last evaluated 2025-03-03.

Conditions:
Chédiak-Higashi syndrome (CHS). Also called: Chediak-Higashi Syndrome. Identifiers: Orphanet 167, MedGen C0007965, MONDO:0008963, OMIM 214500.

Submissions (2):

Labcorp Genetics (formerly Invitae), Labcorp
Classification: Pathogenic for Chédiak-Higashi syndrome. Last evaluated: 2025-03-03. Review status: criteria provided, single submitter. Criteria: Invitae Variant Classification Sherloc (09022015). Collection method: clinical testing. Allele origin: germline.
Comment: This sequence change creates a premature translational stop signal (p.Asp1333Ilefs*16) in the LYST gene. It is expected to result in an absent or disrupted protein product. Loss-of-function variants in LYST are known to be pathogenic (PMID: 9215679, 11857544). This variant is not present in population databases (gnomAD no frequency). This variant has not been reported in the literature in individuals affected with LYST-related conditions. ClinVar contains an entry for this variant (Variation ID: 2676374). For these reasons, this variant has been classified as Pathogenic.

Baylor Genetics
Classification: Likely pathogenic for Chédiak-Higashi syndrome. Last evaluated: 2022-08-29. Review status: criteria provided, single submitter. Criteria: ACMG Guidelines, 2015. Collection method: clinical testing. Allele origin: unknown.

Literature cited by the submitters: PubMed 9215679 (cited by Labcorp Genetics (formerly Invitae), Labcorp); PubMed 11857544 (cited by Labcorp Genetics (formerly Invitae), Labcorp).